The following is an entry in ClinVar:

ClinVar aggregate classification (germline): Uncertain significance (1 of 4 stars; one submission).

Conditions:
Hereditary cancer-predisposing syndrome. Also called: Neoplastic Syndromes, Hereditary; Tumor predisposition; Hereditary Cancer Syndrome; Hereditary neoplastic syndrome. Identifiers: Orphanet 140162, MedGen C0027672, MeSH D009386, MONDO:0015356.

Submission:

Ambry Genetics
Classification: Uncertain significance for Hereditary cancer-predisposing syndrome. Last evaluated: 2025-11-25. Review status: criteria provided, single submitter. Criteria: Ambry Variant Classification Scheme 2023. Collection method: clinical testing. Allele origin: germline.
Comment: The p.Q47R variant (also known as c.140A>G), located in coding exon 2 of the FH gene, results from an A to G substitution at nucleotide position 140. The glutamine at codon 47 is replaced by arginine, an amino acid with highly similar properties. This amino acid position is conserved. In addition, the in silico prediction for this alteration is inconclusive. Based on the available evidence, the clinical significance of this variant remains unclear.

NM_000143.4(FH):c.140A>G (p.Gln47Arg)

Gene: FH (fumarate hydratase; minus strand). Cytogenetic location: 1q43.
Variant type: single nucleotide variant.
Coding change: c.140A>G on transcript NM_000143.4 (MANE Select); coding-DNA position 140, A replaced by G.
Protein change: p.Gln47Arg; replaces glutamine 47 with arginine.
Molecular consequence: missense variant.
Genome position (GRCh38, 1-based): chr1:241,517,309, T>C on the plus strand (A>G on the coding strand, the complement: FH is on the minus strand). VCF-style: chr1-241517309-T-C. GRCh37 (hg19) VCF-style: chr1-241680609-T-C.
Other names: short protein forms Q47R.
Identifiers: ClinVar variation 4642254 (VCV004642254.1).
Genomic context (GRCh38, chr1:241,517,309, plus strand): 5'-TACTTATCATTTGGCACCTTTAGTTCACCAAAGGTATCATATTCTATCCGGAAGGAATTT[T>C]GGCTTGCCTAAAGACAAGAATACAACACTATTACAAGTTGAAAAGAAACCCAGGATCAAA-3'
Protein context (NP_000134.2, residues 37-57): WPPNAARMAS[Gln47Arg]NSFRIEYDTF